The following is an entry in ClinVar:

NM_000531.6(OTC):c.10A>C (p.Asn4His)

Gene: OTC (ornithine transcarbamylase; plus strand). Cytogenetic location: Xp11.4.
Variant type: single nucleotide variant.
Coding change: c.10A>C on transcript NM_000531.6 (MANE Select); coding-DNA position 10, A replaced by C.
Protein change: p.Asn4His; replaces asparagine 4 with histidine.
Molecular consequence: missense variant.
Genome position (GRCh38, 1-based): chrX:38,352,706, A>C. VCF-style: chrX-38352706-A-C. GRCh37 (hg19) VCF-style: chrX-38211959-A-C.
Other names: c.10A>C, p.Asn4His (NM_001407092.1); short protein forms N4H.
Identifiers: ClinVar variation 3412643 (VCV003412643.2).

ClinVar aggregate classification (germline): Uncertain significance. Review status: criteria provided, multiple submitters, no conflicts (2 of 4 stars). 2 submissions from 2 submitters: Uncertain significance (2). Last evaluated 2024-08-14.

Conditions:
Inborn genetic diseases. Identifiers: MedGen C0950123, MeSH D030342.
Ornithine carbamoyltransferase deficiency (OTCD). Also called: Ornithine Carbamoyltransferase Deficiency Disease; ORNITHINE TRANSCARBAMYLASE DEFICIENCY; ORNITHINE TRANSCARBAMYLASE DEFICIENCY, HYPERAMMONEMIA DUE TO; OTC DEFICIENCY. Identifiers: Orphanet 664, MedGen C0268542, MONDO:0010703, OMIM 311250.

Submissions (2):

Ambry Genetics
Classification: Uncertain significance for Inborn genetic diseases. Last evaluated: 2024-08-14. Review status: criteria provided, single submitter. Criteria: Ambry Variant Classification Scheme 2023. Collection method: clinical testing. Allele origin: germline.

Color Diagnostics, LLC DBA Color Health
Classification: Uncertain significance for Ornithine carbamoyltransferase deficiency. Last evaluated: 2024-03-07. Review status: criteria provided, single submitter. Criteria: ACMG Guidelines, 2015. Collection method: clinical testing. Allele origin: germline.
Comment: This missense variant replaces asparagine with histidine at codon 4 of the OTC protein. Computational prediction suggests that this variant may not impact protein structure and function. To our knowledge, functional studies have not been reported for this variant. This variant has not been reported in individuals affected with ornithine carbamoyltransferase deficiency in the literature. This variant has not been identified in the general population by the Genome Aggregation Database (gnomAD). The available evidence is insufficient to determine the role of this variant in disease conclusively. Therefore, this variant is classified as a Variant of Uncertain Significance.